The following is an entry in ClinVar:

NM_003060.4(SLC22A5):c.592G>A (p.Val198Met)

Gene: SLC22A5 (solute carrier family 22 member 5; plus strand). Cytogenetic location: 5q31.1.
Variant type: single nucleotide variant.
Coding change: c.592G>A on transcript NM_003060.4 (MANE Select); coding-DNA position 592, G replaced by A.
Protein change: p.Val198Met; replaces valine 198 with methionine.
Molecular consequence: missense variant.
Genome position (GRCh38, 1-based): chr5:132,384,241, G>A. VCF-style: chr5-132384241-G-A. GRCh37 (hg19) VCF-style: chr5-131719933-G-A.
Other names: c.664G>A, p.Val222Met (NM_001308122.2); short protein forms V198M, V222M.
Identifiers: ClinVar variation 460409 (VCV000460409.9), dbSNP rs757979350, ClinGen allele CA3403930.

ClinVar aggregate classification (germline): Uncertain significance. Review status: criteria provided, multiple submitters, no conflicts (2 of 4 stars). 3 submissions from 3 submitters: Uncertain significance (2). 1 of the submissions does not count toward it. Last evaluated 2022-06-15.

Conditions:
Decreased circulating carnitine concentration. Also called: Decreased plasma carnitine. Identifiers: MedGen C5848230, HP:0003234.
Renal carnitine transport defect (CDSP). Also called: Primary carnitine deficiency; CARNITINE DEFICIENCY, SYSTEMIC, DUE TO DEFECT IN RENAL REABSORPTION OF CARNITINE; CARNITINE TRANSPORTER, PLASMA-MEMBRANE, DEFICIENCY OF; CARNITINE UPTAKE DEFECT; Systemic primary carnitine deficiency; Systemic primary carnitine deficiency disease. Identifiers: Orphanet 158, MedGen C0342788, MONDO:0008919, OMIM 212140.

Allele frequency attached by ClinVar (database versions not stated): ExAC 0.00002; TOPMed 0.00002; gnomAD 0.00003; 1000 Genomes Project 30x 0.00031.

Submissions (3):

Labcorp Genetics (formerly Invitae), Labcorp
Classification: Uncertain significance for Renal carnitine transport defect. Last evaluated: 2022-06-15. Review status: criteria provided, single submitter. Criteria: Invitae Variant Classification Sherloc (09022015). Collection method: clinical testing. Allele origin: germline.
Comment: This sequence change replaces valine, which is neutral and non-polar, with methionine, which is neutral and non-polar, at codon 198 of the SLC22A5 protein (p.Val198Met). This variant is present in population databases (rs757979350, gnomAD 0.02%). This variant has not been reported in the literature in individuals affected with SLC22A5-related conditions. ClinVar contains an entry for this variant (Variation ID: 460409). Advanced modeling of protein sequence and biophysical properties (such as structural, functional, and spatial information, amino acid conservation, physicochemical variation, residue mobility, and thermodynamic stability) performed at Invitae indicates that this missense variant is not expected to disrupt SLC22A5 protein function. In summary, the available evidence is currently insufficient to determine the role of this variant in disease. Therefore, it has been classified as a Variant of Uncertain Significance.

GeneDx
Classification: Uncertain significance. Last evaluated: 2022-05-16. Review status: criteria provided, single submitter. Criteria: GeneDx Variant Classification Process June 2021. Collection method: clinical testing. Allele origin: germline. Affected: yes.
Comment: In silico analysis supports that this missense variant does not alter protein structure/function; Has not been previously published as pathogenic or benign to our knowledge

Natera, Inc.
Classification: Uncertain significance for Carnitine deficiency. Last evaluated: 2019-11-11. Review status: no assertion criteria provided. Collection method: clinical testing. Allele origin: germline. Not counted in ClinVar's aggregate classification.